The following is an entry in ClinVar:

ClinVar aggregate classification (germline): Likely pathogenic (3 of 4 stars; one submission).

Conditions:
RPGR-related retinopathy. Also called: RPGR retinopathy. Identifiers: MedGen CN305589, MONDO:0100437.

Submission:

ClinGen X-linked Inherited Retinal Disease Variant Curation Expert Panel, ClinGen
Classification: Likely pathogenic for RPGR-related retinopathy. Last evaluated: 2026-10-30. Review status: reviewed by expert panel. Criteria: ClinGen X LinkedIRD ACMG Specifications RPGR V1.0.0. Collection method: curation. Allele origin: germline. Inheritance: X-linked inheritance.
Comment: NM_001034853.2(RPGR):c.425T>G (p.Ile142Ser) is a missense variant encoding the substitution of isoleucine with serine at codon 142. This variant is absent from gnomAD v4.1.2 (PM2_Supporting). At least one proband harboring this variant exhibits a phenotype including family history consistent with X-linked inheritance (2 pts, PMID: 29528978), early onset (1 pt), visual field constriction (0.5 pts), reduced visual acuity (0.5 pts), myopia (0.5 pts), optic disc pallor (0.5 pts), bone spicule pigmentation (0.5 pts), and abnormal fundus autofluorescence (required), which together are specific for RPGR-related retinopathy (PMID: 32012938, 5.5 points, PP4). The variant has been reported to segregate with retinal dystrophy through at least 3 affected meioses in 1 family. (PP1_Moderate; PMID: 30105367, PMID: 29528978, PMID: 32012938). The computational predictor REVEL gives a score of 0.925, which is within the ClinGen X-linked IRD VCEP range between 0.931 to 0.773 and predicts a damaging effect on RPGR function (PP3_Moderate). In summary, this variant is classified as Likely Pathogenic for RPGR-related retinopathy based on the ClinGen X-linked Inherited Retinal Disease Expert Panel Specifications to the ACMG/AMP Variant Interpretation Guidelines for RPGR Version 1.0.0: PM2_Supporting, PP4, PP1_Moderate, and PP3_Moderate.

NM_001034853.2(RPGR):c.425T>G (p.Ile142Ser)

Gene: RPGR (retinitis pigmentosa GTPase regulator; minus strand). Cytogenetic location: Xp11.4.
Variant type: single nucleotide variant.
Coding change: c.425T>G on transcript NM_001034853.2 (MANE Select); coding-DNA position 425, T replaced by G.
Protein change: p.Ile142Ser; replaces isoleucine 142 with serine.
Molecular consequence: missense variant. On other transcripts: non-coding transcript variant (6).
Genome position (GRCh38, 1-based): chrX:38,318,873, A>C on the plus strand (T>G on the coding strand, the complement: RPGR is on the minus strand). VCF-style: chrX-38318873-A-C. GRCh37 (hg19) VCF-style: chrX-38178126-A-C.
Other names: c.425T>G, p.Ile142Ser (NM_000328.3, NM_001367245.1, NM_001367246.1 and 3 more transcripts); c.455T>G, p.Ile152Ser (NM_001367248.1); c.422T>G, p.Ile141Ser (NM_001367249.1); short protein forms I141S, I142S, I152S.
Identifiers: ClinVar variation 5038046 (VCV005038046.1).
Genomic context (GRCh38, chrX:38,318,873, plus strand): 5'-AAGAAACAAGTCTCACCAGTTAGGGCAGCTGAAGTATTAGATCCAGCAGACAGCTGCTTA[A>C]TCTTATGCTCGGATGTAAAAAAGCTAATTACATGAAAAGTGTTTCTTTCTTCGGTGTCAC-3'
Protein context (NP_001030025.1, residues 132-152): VISFFTSEHK[Ile142Ser]KQLSAGSNTS